The following continues an entry in ClinVar:

NM_198253.3(TERT):c.-124C>T

ClinVar aggregate classification (germline): Conflicting classifications of pathogenicity. Likely pathogenic (4); Uncertain significance (1). ClinVar aggregate classification (somatic clinical impact): Tier I - Strong. ClinVar aggregate classification (oncogenicity): Oncogenic.

Literature cited by the submitters, continued: PubMed 29987895 (cited by Center for Genomic Medicine, Rigshospitalet, Copenhagen University Hospital); PubMed 26194807 (cited by Center for Genomic Medicine, Rigshospitalet, Copenhagen University Hospital); PubMed 26143634 (cited by Center for Genomic Medicine, Rigshospitalet, Copenhagen University Hospital); PubMed 31408918 (cited by Center for Genomic Medicine, Rigshospitalet, Copenhagen University Hospital and Institute for Genomic Medicine (IGM) Clinical Laboratory, Nationwide Children's Hospital); PubMed 33994539 (cited by Institute for Genomic Medicine (IGM) Clinical Laboratory, Nationwide Children's Hospital); PubMed 28990704 (cited by Institute for Genomic Medicine (IGM) Clinical Laboratory, Nationwide Children's Hospital); PubMed 29105198 (cited by Institute for Genomic Medicine (IGM) Clinical Laboratory, Nationwide Children's Hospital); PubMed 29532523 (cited by Institute for Genomic Medicine (IGM) Clinical Laboratory, Nationwide Children's Hospital); PubMed 32782671 (cited by Institute for Genomic Medicine (IGM) Clinical Laboratory, Nationwide Children's Hospital); PubMed 36505786 (cited by Institute for Genomic Medicine (IGM) Clinical Laboratory, Nationwide Children's Hospital); PubMed 26941407 (cited by Institute for Genomic Medicine (IGM) Clinical Laboratory, Nationwide Children's Hospital); PubMed 28181325 (cited by Institute for Genomic Medicine (IGM) Clinical Laboratory, Nationwide Children's Hospital); PubMed 33543147 (cited by Institute for Genomic Medicine (IGM) Clinical Laboratory, Nationwide Children's Hospital); PubMed 30240866 (cited by Institute for Genomic Medicine (IGM) Clinical Laboratory, Nationwide Children's Hospital); PubMed 30599247 (cited by Institute for Genomic Medicine (IGM) Clinical Laboratory, Nationwide Children's Hospital); PubMed 32619305 (cited by Institute for Genomic Medicine (IGM) Clinical Laboratory, Nationwide Children's Hospital); PubMed 30051528 (cited by Institute for Genomic Medicine (IGM) Clinical Laboratory, Nationwide Children's Hospital); PubMed 23530248 (cited by Institute for Genomic Medicine (IGM) Clinical Laboratory, Nationwide Children's Hospital); PubMed 34411449 (cited by Institute for Genomic Medicine (IGM) Clinical Laboratory, Nationwide Children's Hospital); PubMed 25268584 (cited by Institute for Genomic Medicine (IGM) Clinical Laboratory, Nationwide Children's Hospital); PubMed 30178487 (cited by Institute for Genomic Medicine (IGM) Clinical Laboratory, Nationwide Children's Hospital); PubMed 28467829 (cited by Institute for Genomic Medicine (IGM) Clinical Laboratory, Nationwide Children's Hospital); PubMed 26875008 (cited by Institute for Genomic Medicine (IGM) Clinical Laboratory, Nationwide Children's Hospital); PubMed 25217772 (cited by Institute for Genomic Medicine (IGM) Clinical Laboratory, Nationwide Children's Hospital); PubMed 23764841 (cited by Institute for Genomic Medicine (IGM) Clinical Laboratory, Nationwide Children's Hospital); PubMed 24154961 (cited by Institute for Genomic Medicine (IGM) Clinical Laboratory, Nationwide Children's Hospital); PubMed 26061751 (cited by Institute for Genomic Medicine (IGM) Clinical Laboratory, Nationwide Children's Hospital); PubMed 26061753 (cited by Institute for Genomic Medicine (IGM) Clinical Laboratory, Nationwide Children's Hospital); PubMed 28966033 (cited by Institute for Genomic Medicine (IGM) Clinical Laboratory, Nationwide Children's Hospital); PubMed 29763623 (cited by Institute for Genomic Medicine (IGM) Clinical Laboratory, Nationwide Children's Hospital); PubMed 24705251 (cited by Institute for Genomic Medicine (IGM) Clinical Laboratory, Nationwide Children's Hospital); PubMed 28912153 (cited by Institute for Genomic Medicine (IGM) Clinical Laboratory, Nationwide Children's Hospital); PubMed 35535848 (cited by Institute for Genomic Medicine (IGM) Clinical Laboratory, Nationwide Children's Hospital); PubMed 28401334 (cited by Institute for Genomic Medicine (IGM) Clinical Laboratory, Nationwide Children's Hospital); PubMed 25314060 (cited by Institute for Genomic Medicine (IGM) Clinical Laboratory, Nationwide Children's Hospital); PubMed 26143636 (cited by Institute for Genomic Medicine (IGM) Clinical Laboratory, Nationwide Children's Hospital).